The following is an entry in ClinVar:

ClinVar aggregate classification (germline): Uncertain significance (1 of 4 stars; one submission).

Submission:

Labcorp Genetics (formerly Invitae), Labcorp
Classification: Uncertain significance. Last evaluated: 2025-11-18. Review status: criteria provided, single submitter. Criteria: Invitae Variant Classification Sherloc (09022015). Collection method: clinical testing. Allele origin: germline.
Comment: This sequence change replaces arginine, which is basic and polar, with glutamine, which is neutral and polar, at codon 1570 of the DCHS1 protein (p.Arg1570Gln). This variant is present in population databases (rs765185467, gnomAD 0.003%). This variant has not been reported in the literature in individuals affected with DCHS1-related conditions. ClinVar contains an entry for this variant (Variation ID: 3675318). Invitae Evidence Modeling of protein sequence and biophysical properties (such as structural, functional, and spatial information, amino acid conservation, physicochemical variation, residue mobility, and thermodynamic stability) has been performed for this missense variant. However, the output from this modeling did not meet the statistical confidence thresholds required to predict the impact of this variant on DCHS1 protein function. In summary, the available evidence is currently insufficient to determine the role of this variant in disease. Therefore, it has been classified as a Variant of Uncertain Significance.

NM_003737.4(DCHS1):c.4709G>A (p.Arg1570Gln)

Gene: DCHS1 (dachsous cadherin-related 1; minus strand). Cytogenetic location: 11p15.4.
Variant type: single nucleotide variant.
Coding change: c.4709G>A on transcript NM_003737.4 (MANE Select); coding-DNA position 4709, G replaced by A.
Protein change: p.Arg1570Gln; replaces arginine 1570 with glutamine.
Molecular consequence: missense variant.
Genome position (GRCh38, 1-based): chr11:6,630,085, C>T on the plus strand (G>A on the coding strand, the complement: DCHS1 is on the minus strand). VCF-style: chr11-6630085-C-T. GRCh37 (hg19) VCF-style: chr11-6651316-C-T.
Other names: short protein forms R1570Q.
Identifiers: ClinVar variation 3675318 (VCV003675318.2).
Genomic context (GRCh38, chr11:6,630,085, plus strand): 5'-CCGTCCCCGCCAGATGCCAGCCGATAGGACACGCGTGCAGCCTCGCCCAGATCCGGGTCC[C>T]GGGCTACCACGTGCAGGGCCGCGGGCCCAGGCGGCTGGTCCTCTGGGAGGCGCACGCGTG-3'
Protein context (NP_003728.1, residues 1560-1580): PGPAALHVVA[Arg1570Gln]DPDLGEAARV